The following is an entry in ClinVar:

ClinVar aggregate classification (germline): Uncertain significance (1 of 4 stars; one submission).

Conditions:
Sotos syndrome (SOTOS). Also called: SOTOS SYNDROME 1; CEREBRAL GIGANTISM; Sotos' syndrome; CHROMOSOME 5q35 DELETION SYNDROME; Distinctive facial appearance, overgrowth in childhood, and learning disabilities or delayed development. Identifiers: Orphanet 821, MedGen C0175695, MONDO:0019349, OMIM 117550.

Allele frequency attached by ClinVar (database versions not stated): gnomAD 0.00001.
gnomAD v4.1: 2 of 1,610,962 alleles (0.00012%); highest among the groups gnomAD compares: Admixed American, 0.0017%; no homozygotes.

Submission:

Labcorp Genetics (formerly Invitae), Labcorp
Classification: Uncertain significance. Last evaluated: 2022-10-23. Review status: criteria provided, single submitter. Criteria: Invitae Variant Classification Sherloc (09022015). Collection method: clinical testing. Allele origin: germline.
Comment: This sequence change replaces proline, which is neutral and non-polar, with leucine, which is neutral and non-polar, at codon 1496 of the NSD1 protein (p.Pro1496Leu). This variant is not present in population databases (gnomAD no frequency). This variant has not been reported in the literature in individuals affected with NSD1-related conditions. ClinVar contains an entry for this variant (Variation ID: 1445701). Advanced modeling of protein sequence and biophysical properties (such as structural, functional, and spatial information, amino acid conservation, physicochemical variation, residue mobility, and thermodynamic stability) performed at Invitae indicates that this missense variant is not expected to disrupt NSD1 protein function. In summary, the available evidence is currently insufficient to determine the role of this variant in disease. Therefore, it has been classified as a Variant of Uncertain Significance.

NM_022455.5(NSD1):c.4487C>T (p.Pro1496Leu)

Gene: NSD1 (nuclear receptor binding SET domain protein 1; plus strand). Cytogenetic location: 5q35.3.
Variant type: single nucleotide variant.
Coding change: c.4487C>T on transcript NM_022455.5 (MANE Select); coding-DNA position 4487, C replaced by T.
Protein change: p.Pro1496Leu; replaces proline 1496 with leucine.
Molecular consequence: missense variant.
Genome position (GRCh38, 1-based): chr5:177,246,786, C>T. VCF-style: chr5-177246786-C-T. GRCh37 (hg19) VCF-style: chr5-176673787-C-T.
Other names: c.3614C>T, p.Pro1205Leu (NM_001365684.2, NM_001409306.1, NM_001409307.1 and 3 more transcripts); c.4487C>T, p.Pro1496Leu (NM_001409301.1, NM_001409302.1, NM_001409303.1); c.4067C>T, p.Pro1356Leu (NM_001409304.1); c.3734C>T, p.Pro1245Leu (NM_001409305.1); short protein forms P1227L, P1496L, P1245L, P1205L, P1356L.
Identifiers: ClinVar variation 1445701 (VCV001445701.4), dbSNP rs1766333203, ClinGen allele CA362349130.
Genomic context (GRCh38, chr5:177,246,786, plus strand): 5'-ATGCTGCAGCCAAGATGCAGTGTAAAAAAGTGAAAAATGATGACTCGTCAAAAGAGATTC[C>T]AGGCTCAGAGGTATTACTCAGTTCCTGATCTTTTCACCTTCTAAAGAGAAGCTACTTTTC-3'
Protein context (NP_071900.2, residues 1486-1506): VKNDDSSKEI[Pro1496Leu]GSEGELMPHR